The following is an entry in ClinVar:

ClinVar aggregate classification (germline): Pathogenic/Likely pathogenic. Review status: criteria provided, multiple submitters, no conflicts (2 of 4 stars). 4 submissions from 4 submitters: Pathogenic (2); Likely pathogenic (1). 1 of the submissions does not count toward it. Last evaluated 2025-09-14.

Conditions:
Cohen syndrome (COH1). Also called: Cutis verticis gyrata, retinitis pigmentosa, and sensorineural deafness; PEPPER SYNDROME. Identifiers: Orphanet 193, MedGen C0265223, MONDO:0008999, OMIM 216550.

Submissions (4):

Natera, Inc.
Classification: Likely pathogenic for Cohen syndrome. Last evaluated: 2025-09-14. Review status: criteria provided, single submitter. Criteria: Natera Variant Classification Schema (03/2026). Collection method: clinical testing. Allele origin: germline.
Comment: The c.8634delG variant in VPS13B is a frameshift variant predicted to shift the reading frame beginning at codon 2879 and leads to a stop codon 8 codons downstream. This variant is expected to result in nonsense mediated decay, truncation, or a dysfunctional protein product. This variant is rare in the general population with a frequency below the threshold expected for the associated phenotype(s). Given the available evidence, this variant is classified as Likely Pathogenic.

Labcorp Genetics (formerly Invitae), Labcorp
Classification: Pathogenic for Cohen syndrome. Last evaluated: 2025-02-20. Review status: criteria provided, single submitter. Criteria: Invitae Variant Classification Sherloc (09022015). Collection method: clinical testing. Allele origin: germline.
Comment: This sequence change creates a premature translational stop signal (p.Gln2879Argfs*8) in the VPS13B gene. It is expected to result in an absent or disrupted protein product. Loss-of-function variants in VPS13B are known to be pathogenic (PMID: 15141358, 16648375, 20461111). This variant is present in population databases (rs765302278, gnomAD 0.007%). This variant has not been reported in the literature in individuals affected with VPS13B-related conditions. ClinVar contains an entry for this variant (Variation ID: 371300). For these reasons, this variant has been classified as Pathogenic.

GeneDx
Classification: Pathogenic. Last evaluated: 2025-01-29. Review status: criteria provided, single submitter. Criteria: GeneDx Variant Classification Process June 2021. Collection method: clinical testing. Allele origin: germline. Affected: yes.
Comment: Frameshift variant predicted to result in protein truncation or nonsense mediated decay in a gene for which loss of function is a known mechanism of disease; Not observed at significant frequency in large population cohorts (gnomAD); Has not been previously published as pathogenic or benign to our knowledge; This variant is associated with the following publications: (PMID: 15141358, 16648375, 20461111)

Counsyl
Classification: Likely pathogenic for Cohen syndrome. Last evaluated: 2016-08-22. Review status: no assertion criteria provided. Collection method: clinical testing. Allele origin: unknown. Not counted in ClinVar's aggregate classification.

Literature cited by the submitters: PubMed 15141358 (cited by Labcorp Genetics (formerly Invitae), Labcorp); PubMed 16648375 (cited by Labcorp Genetics (formerly Invitae), Labcorp); PubMed 20461111 (cited by Labcorp Genetics (formerly Invitae), Labcorp).

NM_152564.5(VPS13B):c.8559del (p.Gln2854fs)

Gene: VPS13B (vacuolar protein sorting 13 homolog B; plus strand). Cytogenetic location: 8q22.2.
Variant type: Deletion.
Coding change: c.8559del on transcript NM_152564.5 (MANE Select); coding-DNA position 8559, one base deleted (G; older notation c.8559delG).
Protein change: p.Gln2854fs; shifts the reading frame from glutamine 2854.
Molecular consequence: frameshift variant.
Genome position (GRCh38, 1-based): chr8:99,818,826, G deleted; the last of 3 consecutive G bases (chr8:99,818,824-99,818,826); deleting any one gives the same sequence. VCF-style (leftmost placement, unchanged base first): chr8-99818823-AG-A. GRCh37 (hg19) VCF-style: chr8-100831051-AG-A.
Other names: c.8634del, p.Gln2879fs (NM_017890.5); c.8634delG (NM_017890.4); c.8634del (NM_017890.3); short protein forms Q2879fs, Q2854fs.
Identifiers: ClinVar variation 371300 (VCV000371300.11), dbSNP rs765302278, ClinGen allele CA4824494.